The following is an entry in ClinVar:

ClinVar aggregate classification (germline): Uncertain significance (1 of 4 stars; one submission).

Conditions:
Cardiovascular phenotype. Identifiers: MedGen CN230736.

Allele frequency attached by ClinVar (database versions not stated): gnomAD 0.00001.
gnomAD v4.1: 4 of 1,612,914 alleles (0.00025%); highest among the groups gnomAD compares: South Asian, 0.0011%; no homozygotes.

Submission:

Ambry Genetics
Classification: Uncertain significance for Cardiovascular phenotype. Last evaluated: 2022-03-17. Review status: criteria provided, single submitter. Criteria: Ambry Variant Classification Scheme 2023. Collection method: clinical testing. Allele origin: germline.
Comment: The p.V373L variant (also known as c.1117G>T), located in coding exon 9 of the APOB gene, results from a G to T substitution at nucleotide position 1117. The valine at codon 373 is replaced by leucine, an amino acid with highly similar properties. This amino acid position is conserved. In addition, this alteration is predicted to be tolerated by in silico analysis. Since supporting evidence is limited at this time, the clinical significance of this alteration remains unclear.

NM_000384.3(APOB):c.1117G>T (p.Val373Leu)

Gene: APOB (apolipoprotein B; minus strand). Cytogenetic location: 2p24.1.
Variant type: single nucleotide variant.
Coding change: c.1117G>T on transcript NM_000384.3 (MANE Select); coding-DNA position 1117, G replaced by T.
Protein change: p.Val373Leu; replaces valine 373 with leucine.
Molecular consequence: missense variant.
Genome position (GRCh38, 1-based): chr2:21,033,306, C>A on the plus strand (G>T on the coding strand, the complement: APOB is on the minus strand). VCF-style: chr2-21033306-C-A. GRCh37 (hg19) VCF-style: chr2-21256178-C-A.
Other names: short protein forms V373L.
Identifiers: ClinVar variation 1796623 (VCV001796623.2), dbSNP rs1357590656, ClinGen allele CA345958535.